The following is an entry in ClinVar:

ClinVar aggregate classification (germline): Uncertain significance (1 of 4 stars; one submission).

Conditions:
Brugada syndrome 5 (BRGDA5). Identifiers: Orphanet 130, Orphanet 871, MedGen C2748541, MONDO:0013015, OMIM 612838.

Submission:

Labcorp Genetics (formerly Invitae), Labcorp
Classification: Uncertain significance for Brugada syndrome 5. Last evaluated: 2023-12-01. Review status: criteria provided, single submitter. Criteria: Invitae Variant Classification Sherloc (09022015). Collection method: clinical testing. Allele origin: germline.
Comment: This sequence change replaces glutamic acid, which is acidic and polar, with glycine, which is neutral and non-polar, at codon 66 of the SCN1B protein (p.Glu66Gly). This variant is not present in population databases (gnomAD no frequency). This variant has not been reported in the literature in individuals affected with SCN1B-related conditions. An algorithm developed to predict the effect of missense changes on protein structure and function (PolyPhen-2) suggests that this variant is likely to be disruptive. Algorithms developed to predict the effect of sequence changes on RNA splicing suggest that this variant may create or strengthen a splice site. In summary, the available evidence is currently insufficient to determine the role of this variant in disease. Therefore, it has been classified as a Variant of Uncertain Significance.

NM_001037.5(SCN1B):c.197A>G (p.Glu66Gly)

Gene: SCN1B (sodium voltage-gated channel beta subunit 1; plus strand). Cytogenetic location: 19q13.11.
Variant type: single nucleotide variant.
Coding change: c.197A>G on transcript NM_001037.5 (MANE Select); coding-DNA position 197, A replaced by G.
Protein change: p.Glu66Gly; replaces glutamic acid 66 with glycine.
Molecular consequence: missense variant.
Genome position (GRCh38, 1-based): chr19:35,032,684, A>G. VCF-style: chr19-35032684-A-G. GRCh37 (hg19) VCF-style: chr19-35523588-A-G.
Other names: c.98A>G, p.Glu33Gly (NM_001321605.2); c.197A>G, p.Glu66Gly (NM_199037.5); short protein forms E66G, E33G.
Identifiers: ClinVar variation 2700049 (VCV002700049.3), dbSNP rs2514233170, ClinGen allele CA405328354.